The following is an entry in ClinVar:

ClinVar aggregate classification (germline): Uncertain significance (1 of 4 stars; one submission).

Conditions:
Ataxia-telangiectasia syndrome (AT). Also called: AT, COMPLEMENTATION GROUP C; Ataxia telangiectasia (A-T); LOUIS-BAR SYNDROME; Cerebello-oculocutaneous telangiectasia; Immunodeficiency with ataxia telangiectasia; Ataxia-telangiectasia, complementation group D. Identifiers: Orphanet 100, MedGen C0004135, MONDO:0008840, OMIM 208900.

Submission:

Labcorp Genetics (formerly Invitae), Labcorp
Classification: Uncertain significance for Ataxia-telangiectasia syndrome. Last evaluated: 2022-09-01. Review status: criteria provided, single submitter. Criteria: Invitae Variant Classification Sherloc (09022015). Collection method: clinical testing. Allele origin: germline.
Comment: In summary, the available evidence is currently insufficient to determine the role of this variant in disease. Therefore, it has been classified as a Variant of Uncertain Significance. Advanced modeling of protein sequence and biophysical properties (such as structural, functional, and spatial information, amino acid conservation, physicochemical variation, residue mobility, and thermodynamic stability) performed at Invitae indicates that this missense variant is not expected to disrupt ATM protein function. This variant has not been reported in the literature in individuals affected with ATM-related conditions. This variant is not present in population databases (gnomAD no frequency). This sequence change replaces cysteine, which is neutral and slightly polar, with arginine, which is basic and polar, at codon 465 of the ATM protein (p.Cys465Arg).

NM_000051.4(ATM):c.1393T>C (p.Cys465Arg)

Gene: ATM (ATM serine/threonine kinase; plus strand). Cytogenetic location: 11q22.3.
Variant type: single nucleotide variant.
Coding change: c.1393T>C on transcript NM_000051.4 (MANE Select); coding-DNA position 1393, T replaced by C.
Protein change: p.Cys465Arg; replaces cysteine 465 with arginine.
Molecular consequence: missense variant.
Genome position (GRCh38, 1-based): chr11:108,250,858, T>C. VCF-style: chr11-108250858-T-C. GRCh37 (hg19) VCF-style: chr11-108121585-T-C.
Other names: c.1393T>C, p.Cys465Arg (NM_001351834.2); short protein forms C465R.
Identifiers: ClinVar variation 2152127 (VCV002152127.4), dbSNP rs2135321347, ClinGen allele CA382533904.